The following is an entry in ClinVar:

NM_172364.5(CACNA2D4):c.3323A>C (p.Asp1108Ala)

Gene: CACNA2D4 (calcium voltage-gated channel auxiliary subunit alpha2delta 4; minus strand). Cytogenetic location: 12p13.33.
Variant type: single nucleotide variant.
Coding change: c.3323A>C on transcript NM_172364.5 (MANE Select); coding-DNA position 3323, A replaced by C.
Protein change: p.Asp1108Ala; replaces aspartic acid 1108 with alanine.
Molecular consequence: missense variant.
Genome position (GRCh38, 1-based): chr12:1,793,746, T>G on the plus strand (A>C on the coding strand, the complement: CACNA2D4 is on the minus strand). VCF-style: chr12-1793746-T-G. GRCh37 (hg19) VCF-style: chr12-1902912-T-G.
Other names: short protein forms D1108A.
Identifiers: ClinVar variation 853161 (VCV000853161.11), dbSNP rs201175802, ClinGen allele CA6385949.

ClinVar aggregate classification (germline): Uncertain significance. Review status: criteria provided, multiple submitters, no conflicts (2 of 4 stars). 4 submissions from 4 submitters: Uncertain significance (2). 2 of the submissions do not count toward it. Last evaluated 2025-11-11.

Allele frequency attached by ClinVar (database versions not stated): TOPMed 0.00016; gnomAD 0.00017 and 0.00019; gnomAD exomes 0.00019 and 0.00030; ExAC 0.00026; ESP Exome Variant Server 0.00041.
gnomAD v4.1: 449 of 1,612,988 alleles (0.028%); highest among the groups gnomAD compares: Non-Finnish European, 0.037%; no homozygotes.

Submissions (4):

Labcorp Genetics (formerly Invitae), Labcorp
Classification: Uncertain significance. Last evaluated: 2025-11-11. Review status: criteria provided, single submitter. Criteria: Invitae Variant Classification Sherloc (09022015). Collection method: clinical testing. Allele origin: germline.
Comment: This sequence change replaces aspartic acid, which is acidic and polar, with alanine, which is neutral and non-polar, at codon 1108 of the CACNA2D4 protein (p.Asp1108Ala). This variant is present in population databases (rs201175802, gnomAD 0.04%). This missense change has been observed in individual(s) with cone-rod dystrophy (PMID: 38928247). ClinVar contains an entry for this variant (Variation ID: 853161). An algorithm developed to predict the effect of missense changes on protein structure and function (PolyPhen-2) suggests that this variant is likely to be tolerated. In summary, the available evidence is currently insufficient to determine the role of this variant in disease. Therefore, it has been classified as a Variant of Uncertain Significance.

Blueprint Genetics
Classification: Uncertain significance. Last evaluated: 2024-11-07. Review status: criteria provided, single submitter. Criteria: ACMG Guidelines, 2015. Collection method: clinical testing. Allele origin: germline.

Clinical Genetics DNA and cytogenetics Diagnostics Lab, Erasmus MC, Erasmus Medical Center
Classification: Uncertain significance. Review status: no assertion criteria provided. Collection method: clinical testing. Allele origin: germline. Affected: yes. Study: VKGL Data-share Consensus. Not counted in ClinVar's aggregate classification.

Clinical Genetics, Academic Medical Center
Classification: Uncertain significance. Review status: no assertion criteria provided. Collection method: clinical testing. Allele origin: germline. Affected: yes. Study: VKGL Data-share Consensus. Not counted in ClinVar's aggregate classification.

Literature cited by the submitters: PubMed 38928247 (cited by Labcorp Genetics (formerly Invitae), Labcorp).